The following is an entry in ClinVar:

ClinVar aggregate classification (germline): Uncertain significance. Review status: criteria provided, multiple submitters, no conflicts (2 of 4 stars). 2 submissions from 2 submitters: Uncertain significance (2). Last evaluated 2026-02-16.

Conditions:
Hereditary cancer-predisposing syndrome. Also called: Tumor predisposition; Hereditary Cancer Syndrome; Hereditary neoplastic syndrome; Neoplastic Syndromes, Hereditary. Identifiers: Orphanet 140162, MedGen C0027672, MeSH D009386, MONDO:0015356.
Familial adenomatous polyposis 1 (FAP1). Also called: FAMILIAL ADENOMATOUS POLYPOSIS 1, ATTENUATED; POLYPOSIS, ADENOMATOUS INTESTINAL. Identifiers: MedGen C2713442, MONDO:0021056, OMIM 175100. Disease mechanism: loss of function.

Submissions (2):

Ambry Genetics
Classification: Uncertain significance for Hereditary cancer-predisposing syndrome. Last evaluated: 2026-02-16. Review status: criteria provided, single submitter. Criteria: Ambry Variant Classification Scheme 2023. Collection method: clinical testing. Allele origin: germline.
Comment: The p.E1034D variant (also known as c.3102G>C), located in coding exon 15 of the APC gene, results from a G to C substitution at nucleotide position 3102. The glutamic acid at codon 1034 is replaced by aspartic acid, an amino acid with highly similar properties. This amino acid position is conserved. In addition, in silico predictors for this gene do not accurately predict pathogenicity. Based on the available evidence, the clinical significance of this variant remains unclear.

Labcorp Genetics (formerly Invitae), Labcorp
Classification: Uncertain significance for Familial adenomatous polyposis 1. Last evaluated: 2022-08-19. Review status: criteria provided, single submitter. Criteria: Invitae Variant Classification Sherloc (09022015). Collection method: clinical testing. Allele origin: germline.
Comment: In summary, the available evidence is currently insufficient to determine the role of this variant in disease. Therefore, it has been classified as a Variant of Uncertain Significance. Algorithms developed to predict the effect of missense changes on protein structure and function are either unavailable or do not agree on the potential impact of this missense change (SIFT: "Tolerated"; PolyPhen-2: "Probably Damaging"; Align-GVGD: "Class C0"). This variant has not been reported in the literature in individuals affected with APC-related conditions. This variant is not present in population databases (gnomAD no frequency). This sequence change replaces glutamic acid, which is acidic and polar, with aspartic acid, which is acidic and polar, at codon 1034 of the APC protein (p.Glu1034Asp).

NM_000038.6(APC):c.3102G>C (p.Glu1034Asp)

Gene: APC (APC regulator of Wnt signaling pathway; plus strand). Cytogenetic location: 5q22.2.
Variant type: single nucleotide variant.
Coding change: c.3102G>C on transcript NM_000038.6 (MANE Select); coding-DNA position 3102, G replaced by C.
Protein change: p.Glu1034Asp; replaces glutamic acid 1034 with aspartic acid.
Molecular consequence: missense variant.
Genome position (GRCh38, 1-based): chr5:112,838,696, G>C. VCF-style: chr5-112838696-G-C. GRCh37 (hg19) VCF-style: chr5-112174393-G-C.
Other names: c.2979G>C, p.Glu993Asp (NM_001354900.2); c.2925G>C, p.Glu975Asp (NM_001354901.2, NM_001407453.1); c.2829G>C, p.Glu943Asp (NM_001354902.2); c.2799G>C, p.Glu933Asp (NM_001354903.2, NM_001407458.1, NM_001407459.1 and 1 more transcripts); c.2724G>C, p.Glu908Asp (NM_001354904.2); c.2622G>C, p.Glu874Asp (NM_001354905.2); c.2253G>C, p.Glu751Asp (NM_001354906.2, NM_001407470.1); c.3186G>C, p.Glu1062Asp (NM_001407446.1); and 12 more; short protein forms E1044D, E1052D, E1062D, E650D, E751D, E874D, E905D, E908D.
Identifiers: ClinVar variation 1716842 (VCV001716842.7), dbSNP rs1580630877, ClinGen allele CA16028128.